The following is an entry in ClinVar:

ClinVar aggregate classification (germline): Likely benign. Review status: criteria provided, multiple submitters, no conflicts (2 of 4 stars). 2 submissions from 2 submitters: Likely benign (2). Last evaluated 2025-12-17.

Conditions:
Multiple endocrine neoplasia, type 2 (MEN2). Identifiers: Orphanet 653, MedGen C4048306, MONDO:0019003. Disease mechanism: gain of function.
Multiple endocrine neoplasia type 2A. Also called: MULTIPLE ENDOCRINE NEOPLASIA, TYPE IIA; PTC SYNDROME; SIPPLE SYNDROME; MEN 2A; MEN-2A syndrome; Pheochromocytoma and amyloid producing medullary thyroid carcinoma. Identifiers: Orphanet 247698, Orphanet 653, MedGen C0025268, MeSH D018813, MONDO:0008234, OMIM 171400.

Allele frequency attached by ClinVar (database versions not stated): gnomAD exomes below 0.00001; TOPMed below 0.00001; gnomAD 0.00001.
gnomAD v4.1: 5 of 1,602,926 alleles (0.00031%); highest among the groups gnomAD compares: East Asian, 0.0045%; no homozygotes.

Submissions (2):

Labcorp Genetics (formerly Invitae), Labcorp
Classification: Likely benign for Multiple endocrine neoplasia, type 2. Last evaluated: 2025-12-17. Review status: criteria provided, single submitter. Criteria: Invitae Variant Classification Sherloc (09022015). Collection method: clinical testing. Allele origin: germline.

Myriad Genetics, Inc.
Classification: Likely benign for Multiple endocrine neoplasia type 2A. Last evaluated: 2025-02-27. Review status: criteria provided, single submitter. Criteria: Myriad Autosomal Dominant, Autosomal Recessive and X-Linked Classification Criteria (2023). Collection method: clinical testing. Allele origin: unknown.
Comment: This variant is considered likely benign. This variant is intronic and is not expected to impact mRNA splicing.

NM_020975.6(RET):c.2731-14C>T

Gene: RET (ret proto-oncogene; plus strand). Cytogenetic location: 10q11.21.
Variant type: single nucleotide variant.
Coding change: c.2731-14C>T on transcript NM_020975.6 (MANE Select); 14 bases into the intron before coding-DNA position 2731, C replaced by T.
Molecular consequence: intron variant.
Genome position (GRCh38, 1-based): chr10:43,121,932, C>T. VCF-style: chr10-43121932-C-T. GRCh37 (hg19) VCF-style: chr10-43617380-C-T.
Other names: c.2731-14C>T (NM_020630.7, NM_001406743.1, NM_001406744.1 and 2 more transcripts); c.2596-14C>T (NM_001406765.1, NM_001406763.1); c.2335-14C>T (NM_001406772.1, NM_001406769.1); c.2293-14C>T (NM_001406773.1, NM_001406771.1); c.1834-14C>T (NM_001406782.1, NM_001406780.1, NM_001406779.1 and 1 more transcripts); c.1699-14C>T (NM_001406787.1); c.1714-14C>T (NM_001406785.1); c.2602-14C>T (NM_001406764.1, NM_001406762.1, NM_001406761.1); and 10 more.
Identifiers: ClinVar variation 1627129 (VCV001627129.10), dbSNP rs1305296450, ClinGen allele CA665312516.